The following is an entry in ClinVar:

NM_144999.4(LRRC45):c.931G>A (p.Ala311Thr)

Gene: LRRC45 (leucine rich repeat containing 45; plus strand). Cytogenetic location: 17q25.3.
Variant type: single nucleotide variant.
Coding change: c.931G>A on transcript NM_144999.4 (MANE Select); coding-DNA position 931, G replaced by A.
Protein change: p.Ala311Thr; replaces alanine 311 with threonine.
Molecular consequence: missense variant.
Genome position (GRCh38, 1-based): chr17:82,028,030, G>A. VCF-style: chr17-82028030-G-A. GRCh37 (hg19) VCF-style: chr17-79985906-G-A.
Other names: c.931G>A (NM_144999.2); short protein forms A311T.
Identifiers: ClinVar variation 3358569 (VCV003358569.3).

ClinVar aggregate classification (germline): Uncertain significance. Review status: criteria provided, multiple submitters, no conflicts (2 of 4 stars). 2 submissions from 2 submitters: Uncertain significance (2). Last evaluated 2026-03-02.

Conditions:
LRRC45-related disorder. Also called: LRRC45-related condition.

gnomAD v4.1: 21 of 1,605,916 alleles (0.0013%); highest among the groups gnomAD compares: Admixed American, 0.0017%; no homozygotes.

Submissions (2):

PreventionGenetics, part of Exact Sciences
Classification: Uncertain significance for LRRC45-related condition. Last evaluated: 2026-03-02. Review status: criteria provided, single submitter. Criteria: ACMG Guidelines, 2015. Collection method: clinical testing. Allele origin: germline.
Comment: The LRRC45 c.931G>A variant is predicted to result in the amino acid substitution p.Ala311Thr. To our knowledge, this variant has not been reported in the literature. This variant is reported in 0.0057% of alleles in individuals of East Asian descent in gnomAD. At this time, the clinical significance of this variant is uncertain due to the absence of conclusive functional and genetic evidence.

Ambry Genetics
Classification: Uncertain significance. Last evaluated: 2025-01-16. Review status: criteria provided, single submitter. Criteria: Ambry Variant Classification Scheme 2023. Collection method: clinical testing. Allele origin: germline.